The following is an entry in ClinVar:

ClinVar aggregate classification (germline): Uncertain significance. Review status: criteria provided, multiple submitters, no conflicts (2 of 4 stars). 2 submissions from 2 submitters: Uncertain significance (2). Last evaluated 2022-06-14.

Conditions:
Carnitine palmitoyl transferase 1A deficiency. Also called: Carnitine palmitoyltransferase type I deficiency; CPT I DEFICIENCY; CPT DEFICIENCY, HEPATIC, TYPE I; Carnitine palmitoyltransferase 1A deficiency; CPT deficiency, hepatic, type IA. Identifiers: Orphanet 156, MedGen C1829703, MONDO:0009705, OMIM 255120.
Inborn genetic diseases. Identifiers: MedGen C0950123, MeSH D030342.

Allele frequency attached by ClinVar (database versions not stated): ExAC 0.00002; gnomAD exomes 0.00002; gnomAD 0.00004.
gnomAD v4.1: 39 of 1,614,044 alleles (0.0024%); highest among the groups gnomAD compares: Non-Finnish European, 0.0028%; no homozygotes.

Submissions (2):

Labcorp Genetics (formerly Invitae), Labcorp
Classification: Uncertain significance for Carnitine palmitoyl transferase 1A deficiency. Last evaluated: 2022-06-14. Review status: criteria provided, single submitter. Criteria: Invitae Variant Classification Sherloc (09022015). Collection method: clinical testing. Allele origin: germline.
Comment: This sequence change replaces alanine, which is neutral and non-polar, with threonine, which is neutral and polar, at codon 75 of the CPT1A protein (p.Ala75Thr). This variant is present in population databases (rs771342676, gnomAD 0.003%). This variant has not been reported in the literature in individuals affected with CPT1A-related conditions. Algorithms developed to predict the effect of missense changes on protein structure and function output the following: SIFT: "Tolerated"; PolyPhen-2: "Benign"; Align-GVGD: "Class C0". The threonine amino acid residue is found in multiple mammalian species, which suggests that this missense change does not adversely affect protein function. In summary, the available evidence is currently insufficient to determine the role of this variant in disease. Therefore, it has been classified as a Variant of Uncertain Significance.

Ambry Genetics
Classification: Uncertain significance for Inborn genetic diseases. Last evaluated: 2021-05-01. Review status: criteria provided, single submitter. Criteria: Ambry Variant Classification Scheme 2023. Collection method: clinical testing. Allele origin: germline.

NM_001876.4(CPT1A):c.223G>A (p.Ala75Thr)

Gene: CPT1A (carnitine palmitoyltransferase 1A; minus strand). Cytogenetic location: 11q13.3.
Variant type: single nucleotide variant.
Coding change: c.223G>A on transcript NM_001876.4 (MANE Select); coding-DNA position 223, G replaced by A.
Protein change: p.Ala75Thr; replaces alanine 75 with threonine.
Molecular consequence: missense variant.
Genome position (GRCh38, 1-based): chr11:68,812,495, C>T on the plus strand (G>A on the coding strand, the complement: CPT1A is on the minus strand). VCF-style: chr11-68812495-C-T. GRCh37 (hg19) VCF-style: chr11-68579963-C-T.
Other names: c.223G>A, p.Ala75Thr (NM_001031847.3); c.223G>A (NM_001876.3); short protein forms A75T.
Identifiers: ClinVar variation 2201103 (VCV002201103.2), dbSNP rs771342676, ClinGen allele CA6152742.
Genomic context (GRCh38, chr11:68,812,495, plus strand): 5'-ACGCCGTTTCCAGAGTCCGATTGATTTTTGCAATTATTCCTAACGAGGGGTCGATCTTGG[C>T]GTACATCGTTGTCATCACGCCCACCACCACGATAAGCCAACTGGAGGGGCTTGCCGGGTA-3'
Protein context (NP_001867.2, residues 65-85): VVVGVMTTMY[Ala75Thr]KIDPSLGIIA